The following is an entry in ClinVar:

ClinVar aggregate classification (germline): Uncertain significance (1 of 4 stars; one submission).

Conditions:
Inborn genetic diseases. Identifiers: MedGen C0950123, MeSH D030342.

Submission:

Ambry Genetics
Classification: Uncertain significance for Inborn genetic diseases. Last evaluated: 2026-06-16. Review status: criteria provided, single submitter. Criteria: Ambry Variant Classification Scheme 2023. Collection method: clinical testing. Allele origin: germline.
Comment: The p.E540K variant (also known as c.1618G>A), located in coding exon 16 of the ANKRD26 gene, results from a G to A substitution at nucleotide position 1618. The glutamic acid at codon 540 is replaced by lysine, an amino acid with similar properties. This amino acid position is conserved. In addition, this alteration is predicted to be tolerated by in silico analysis. Based on the available evidence, the clinical significance of this variant remains unclear.

NM_014915.3(ANKRD26):c.1618G>A (p.Glu540Lys)

Gene: ANKRD26 (ankyrin repeat domain 26; minus strand). Cytogenetic location: 10p12.1.
Variant type: single nucleotide variant.
Coding change: c.1618G>A on transcript NM_014915.3 (MANE Select); coding-DNA position 1618, G replaced by A.
Protein change: p.Glu540Lys; replaces glutamic acid 540 with lysine.
Molecular consequence: missense variant.
Genome position (GRCh38, 1-based): chr10:27,053,337, C>T on the plus strand (G>A on the coding strand, the complement: ANKRD26 is on the minus strand). VCF-style: chr10-27053337-C-T. GRCh37 (hg19) VCF-style: chr10-27342266-C-T.
Other names: c.1618G>A, p.Glu540Lys (NM_001256053.2); short protein forms E540K.
Identifiers: ClinVar variation 5022755 (VCV005022755.1).